The following is an entry in ClinVar:

ClinVar aggregate classification (germline): Uncertain significance. Review status: criteria provided, multiple submitters, no conflicts (2 of 4 stars). 6 submissions from 6 submitters: Uncertain significance (6). Last evaluated 2024-12-30.

Conditions:
WFS1-related disorder. Identifiers: MedGen CN379391, MONDO:0700293.
Monogenic diabetes. Identifiers: Orphanet 183625, MedGen C3888631, MONDO:0015967.
Cataract 41 (CTRCT41). Also called: CATARACT 41, CONGENITAL NUCLEAR TYPE. Identifiers: Orphanet 91492, Orphanet 98991, Orphanet 98992, Orphanet 98995, MedGen C3805412, MONDO:0007287, OMIM 116400.
Autosomal dominant nonsyndromic hearing loss 6 (LFSNHL). Also called: Autosomal dominant nonsyndromic deafness 6; DEAFNESS, AUTOSOMAL DOMINANT 6; DEAFNESS, AUTOSOMAL DOMINANT 14; DEAFNESS, AUTOSOMAL DOMINANT 38. Identifiers: Orphanet 90635, MedGen C1833021, MONDO:0010963, OMIM 600965.
Type 2 diabetes mellitus. Also called: Type II diabetes mellitus. Identifiers: MedGen C0011860, MeSH D003924, MONDO:0005148, OMIM 125853, HP:0005978.
Wolfram-like syndrome. Also called: HEARING LOSS, PROGRESSIVE, WITH OPTIC ATROPHY AND/OR IMPAIRED GLUCOSE REGULATION. Identifiers: Orphanet 411590, MedGen C3280358, MONDO:0013673, OMIM 614296.
Wolfram syndrome 1 (WFS1). Identifiers: Orphanet 3463, MedGen C4551693, MONDO:0009101, OMIM 222300.

Allele frequency attached by ClinVar (database versions not stated): gnomAD 0.00003 and 0.00004; gnomAD exomes 0.00003 and 0.00005; TOPMed 0.00003; ESP Exome Variant Server 0.00016; ExAC 0.00017.
gnomAD v4.1: 70 of 1,557,222 alleles (0.0045%); highest among the groups gnomAD compares: South Asian, 0.0059%; no homozygotes.

Submissions (6):

GeneDx
Classification: Uncertain significance. Last evaluated: 2024-12-30. Review status: criteria provided, single submitter. Criteria: GeneDx Variant Classification Process June 2021. Collection method: clinical testing. Allele origin: germline. Affected: yes.
Comment: Has not been previously published as pathogenic or benign to our knowledge; In silico analysis indicates that this missense variant does not alter protein structure/function; This variant is associated with the following publications: (PMID: 26435059)

PreventionGenetics, part of Exact Sciences
Classification: Uncertain significance for WFS1-related condition. Last evaluated: 2024-12-19. Review status: criteria provided, single submitter. Criteria: ACMG Guidelines, 2015. Collection method: clinical testing. Allele origin: germline.
Comment: The WFS1 c.20C>T variant is predicted to result in the amino acid substitution p.Pro7Leu. To our knowledge, this variant has not been reported in the literature. This variant is reported in 0.0057% of alleles in individuals of African descent in gnomAD. At this time, the clinical significance of this variant is uncertain due to the absence of conclusive functional and genetic evidence.

Fulgent Genetics
Classification: Uncertain significance for Cataract 41; Type 2 diabetes mellitus; Wolfram syndrome 1; Autosomal dominant nonsyndromic hearing loss 6; Wolfram-like syndrome. Last evaluated: 2024-02-25. Review status: criteria provided, single submitter. Criteria: ACMG Guidelines, 2015. Collection method: clinical testing. Allele origin: germline.

Labcorp Genetics (formerly Invitae), Labcorp
Classification: Uncertain significance. Last evaluated: 2023-01-14. Review status: criteria provided, single submitter. Criteria: Invitae Variant Classification Sherloc (09022015). Collection method: clinical testing. Allele origin: germline.
Comment: This sequence change replaces proline, which is neutral and non-polar, with leucine, which is neutral and non-polar, at codon 7 of the WFS1 protein (p.Pro7Leu). In summary, the available evidence is currently insufficient to determine the role of this variant in disease. Therefore, it has been classified as a Variant of Uncertain Significance. This variant is present in population databases (rs138165486, gnomAD 0.004%). This variant has not been reported in the literature in individuals affected with WFS1-related conditions. ClinVar contains an entry for this variant (Variation ID: 195256). Advanced modeling of protein sequence and biophysical properties (such as structural, functional, and spatial information, amino acid conservation, physicochemical variation, residue mobility, and thermodynamic stability) performed at Invitae indicates that this missense variant is not expected to disrupt WFS1 protein function.

Personalized Diabetes Medicine Program, University of Maryland School of Medicine
Classification: Uncertain significance for Monogenic diabetes. Last evaluated: 2015-07-30. Review status: criteria provided, single submitter. Criteria: ACMG Guidelines, 2015. Collection method: research. Allele origin: unknown. Observed: 1 variant allele, 1 heterozygote.
Comment: ACMG Criteria: PP3, BP4

Eurofins Ntd Llc (ga)
Classification: Uncertain significance. Last evaluated: 2015-01-27. Review status: criteria provided, single submitter. Criteria: EGL Classification Definitions 2015. Collection method: clinical testing. Allele origin: germline. Observed: 1 variant allele, 1 heterozygote.

NM_006005.3(WFS1):c.20C>T (p.Pro7Leu)

Gene: WFS1 (wolframin ER transmembrane glycoprotein; plus strand). Cytogenetic location: 4p16.1.
Variant type: single nucleotide variant.
Coding change: c.20C>T on transcript NM_006005.3 (MANE Select); coding-DNA position 20, C replaced by T.
Protein change: p.Pro7Leu; replaces proline 7 with leucine.
Molecular consequence: missense variant.
Genome position (GRCh38, 1-based): chr4:6,277,475, C>T. VCF-style: chr4-6277475-C-T. GRCh37 (hg19) VCF-style: chr4-6279202-C-T.
Other names: c.20C>T, p.Pro7Leu (NM_001145853.1); short protein forms P7L.
Identifiers: ClinVar variation 195256 (VCV000195256.15), dbSNP rs138165486, ClinGen allele CA241603.